The following is an entry in ClinVar:

NM_015192.4(PLCB1):c.223G>A (p.Gly75Arg)

Gene: PLCB1 (phospholipase C beta 1; plus strand). Cytogenetic location: 20p12.3.
Variant type: single nucleotide variant.
Coding change: c.223G>A on transcript NM_015192.4 (MANE Select); coding-DNA position 223, G replaced by A.
Protein change: p.Gly75Arg; replaces glycine 75 with arginine.
Molecular consequence: missense variant.
Genome position (GRCh38, 1-based): chr20:8,371,427, G>A. VCF-style: chr20-8371427-G-A. GRCh37 (hg19) VCF-style: chr20-8352074-G-A.
Other names: c.223G>A, p.Gly75Arg (NM_182734.3); short protein forms G75R.
Identifiers: ClinVar variation 2141053 (VCV002141053.4), dbSNP rs2514783915, ClinGen allele CA408262304.

ClinVar aggregate classification (germline): Uncertain significance (1 of 4 stars; one submission).

Conditions:
Developmental and epileptic encephalopathy, 12 (DEE12). Identifiers: MedGen C3150988, MONDO:0013389, OMIM 613722.

Submission:

Labcorp Genetics (formerly Invitae), Labcorp
Classification: Uncertain significance for Developmental and epileptic encephalopathy, 12. Last evaluated: 2022-07-29. Review status: criteria provided, single submitter. Criteria: Invitae Variant Classification Sherloc (09022015). Collection method: clinical testing. Allele origin: germline.
Comment: In summary, the available evidence is currently insufficient to determine the role of this variant in disease. Therefore, it has been classified as a Variant of Uncertain Significance. Algorithms developed to predict the effect of missense changes on protein structure and function (SIFT, PolyPhen-2, Align-GVGD) all suggest that this variant is likely to be tolerated. This variant has not been reported in the literature in individuals affected with PLCB1-related conditions. This variant is not present in population databases (gnomAD no frequency). This sequence change replaces glycine, which is neutral and non-polar, with arginine, which is basic and polar, at codon 75 of the PLCB1 protein (p.Gly75Arg).